The following is an entry in ClinVar:

ClinVar aggregate classification (germline): Conflicting classifications of pathogenicity. Review status: criteria provided, conflicting classifications (1 of 4 stars). 14 submissions from 14 submitters: Uncertain significance (1); Benign (5); Likely benign (6). 2 of the submissions do not count toward it. Last evaluated 2026-07-01.

Conditions:
RAD50-related disorder. Also called: RAD50-related condition.
Hereditary cancer-predisposing syndrome. Also called: Neoplastic Syndromes, Hereditary; Hereditary neoplastic syndrome; Hereditary Cancer Syndrome; Tumor predisposition. Identifiers: Orphanet 140162, MedGen C0027672, MeSH D009386, MONDO:0015356.
Nijmegen breakage syndrome-like disorder (NBSLD). Also called: MICROCEPHALY AND SPONTANEOUS CHROMOSOME INSTABILITY WITHOUT IMMUNODEFICIENCY; NBS-LIKE DISORDER; RAD50 DEFICIENCY. Identifiers: Orphanet 240760, MedGen C2751318, MONDO:0013118, OMIM 613078.

Allele frequency attached by ClinVar (database versions not stated): TOPMed 0.00225; 1000 Genomes Project 0.00300; ESP Exome Variant Server 0.00238; 1000 Genomes Project 30x 0.00281; gnomAD 0.00207 and 0.00224; gnomAD exomes 0.00346; ExAC 0.00352.
gnomAD v4.1: 4,147 of 1,611,958 alleles (0.26%); highest among the groups gnomAD compares: Middle Eastern, 0.83%; 25 homozygotes.

Submissions (14):

CeGaT Center for Human Genetics Tuebingen
Classification: Likely benign. Last evaluated: 2026-07-01. Review status: criteria provided, single submitter. Criteria: CeGaT Center For Human Genetics Tuebingen Variant Classification Criteria Version 2. Collection method: clinical testing. Allele origin: germline. Affected: yes. Observed: 53 variant alleles.
Comment: RAD50: BP4, BS2

Labcorp Genetics (formerly Invitae), Labcorp
Classification: Benign for Hereditary cancer-predisposing syndrome. Last evaluated: 2026-01-29. Review status: criteria provided, single submitter. Criteria: Invitae Variant Classification Sherloc (09022015). Collection method: clinical testing. Allele origin: germline.

Dasa
Classification: Likely benign. Last evaluated: 2025-12-08. Review status: criteria provided, single submitter. Criteria: DASA Assertion Criteria. Collection method: clinical testing. Allele origin: germline.
Comment: NM_005732.4(RAD50):c.980G>A (p.Arg327His) is a missense variant that results in the substitution of arginine with histidine. Population frequency is inconsistent with a disease-causing role for this variant, and observations in unaffected individuals support a benign interpretation. Therefore, based on the currently available evidence, this variant is classified as likely benign.

Quest Diagnostics Nichols Institute San Juan Capistrano
Classification: Benign. Last evaluated: 2025-06-23. Review status: criteria provided, single submitter. Criteria: Quest Diagnostics criteria. Collection method: clinical testing. Allele origin: unknown.

Blueprint Genetics
Classification: Likely benign. Last evaluated: 2024-11-26. Review status: criteria provided, single submitter. Criteria: ACMG Guidelines, 2015. Collection method: clinical testing. Allele origin: germline.

Genetic Services Laboratory, University of Chicago
Classification: Likely benign. Last evaluated: 2022-01-04. Review status: criteria provided, single submitter. Criteria: ACMG Guidelines, 2015. Collection method: clinical testing. Allele origin: germline. Affected: no.

Institute for Clinical Genetics, University Hospital TU Dresden, University Hospital TU Dresden
Classification: Uncertain significance. Last evaluated: 2021-11-03. Review status: criteria provided, single submitter. Criteria: ACMG Guidelines, 2015. Collection method: clinical testing. Allele origin: germline.

Sema4
Classification: Likely benign for Nijmegen breakage syndrome-like disorder. Last evaluated: 2021-07-28. Review status: criteria provided, single submitter. Criteria: Sema4 Curation Guidelines. Collection method: curation. Allele origin: germline.

Genomic Research Center, Shahid Beheshti University of Medical Sciences
Classification: Benign for Hereditary cancer-predisposing syndrome. Last evaluated: 2020-05-03. Review status: criteria provided, single submitter. Criteria: ACMG Guidelines, 2015. Collection method: clinical testing. Allele origin: unknown. Affected: yes.

GeneDx
Classification: Benign. Last evaluated: 2019-05-31. Review status: criteria provided, single submitter. Criteria: GeneDx Variant Classification Process June 2021. Collection method: clinical testing. Allele origin: germline. Affected: yes.
Comment: This variant is associated with the following publications: (PMID: 29928469, 16385572, 27153395, 20805886, 31159747)

GeneKor MSA
Classification: Likely benign for Hereditary cancer-predisposing syndrome. Last evaluated: 2018-08-01. Review status: criteria provided, single submitter. Criteria: ACMG Guidelines, 2015. Collection method: clinical testing. Allele origin: germline. Affected: yes.

Ambry Genetics
Classification: Benign for Hereditary cancer-predisposing syndrome. Last evaluated: 2014-07-25. Review status: criteria provided, single submitter. Criteria: Ambry Variant Classification Scheme 2023. Collection method: clinical testing. Allele origin: germline.

PreventionGenetics, part of Exact Sciences
Classification: Benign for RAD50-related condition. Last evaluated: 2020-02-21. Review status: no assertion criteria provided. Collection method: clinical testing. Allele origin: germline. Not counted in ClinVar's aggregate classification.
Comment: This variant is classified as benign based on ACMG/AMP sequence variant interpretation guidelines (Richards et al. 2015 PMID: 25741868, with internal and published modifications).

Counsyl
Classification: Uncertain significance for Nijmegen breakage syndrome-like disorder. Last evaluated: 2016-07-05. Review status: no assertion criteria provided. Collection method: clinical testing. Allele origin: unknown. Not counted in ClinVar's aggregate classification.

Literature cited by the submitters: PubMed 27153395 (cited by Quest Diagnostics Nichols Institute San Juan Capistrano and Counsyl); PubMed 26483394 (cited by Quest Diagnostics Nichols Institute San Juan Capistrano and Counsyl); PubMed 23555315 (cited by Quest Diagnostics Nichols Institute San Juan Capistrano and Counsyl); PubMed 16385572 (cited by Quest Diagnostics Nichols Institute San Juan Capistrano and Counsyl); PubMed 31159747 (cited by Quest Diagnostics Nichols Institute San Juan Capistrano); PubMed 20805886 (cited by Quest Diagnostics Nichols Institute San Juan Capistrano); PubMed 30788456 (cited by Quest Diagnostics Nichols Institute San Juan Capistrano); PubMed 35534704 (cited by Quest Diagnostics Nichols Institute San Juan Capistrano).

NM_005732.4(RAD50):c.980G>A (p.Arg327His)

Gene: RAD50 (RAD50 double strand break repair protein; plus strand). Cytogenetic location: 5q31.1.
Variant type: single nucleotide variant.
Coding change: c.980G>A on transcript NM_005732.4 (MANE Select); coding-DNA position 980, G replaced by A.
Protein change: p.Arg327His; replaces arginine 327 with histidine.
Molecular consequence: missense variant.
Genome position (GRCh38, 1-based): chr5:132,588,018, G>A. VCF-style: chr5-132588018-G-A. GRCh37 (hg19) VCF-style: chr5-131923710-G-A.
Other names: p.R327H:CGT>CAT; short protein forms R327H.
Identifiers: ClinVar variation 37380 (VCV000037380.71), dbSNP rs28903091, ClinGen allele CA206577.